The following is an entry in ClinVar:

ClinVar aggregate classification (germline): Uncertain significance (1 of 4 stars; one submission).

Submission:

Labcorp Genetics (formerly Invitae), Labcorp
Classification: Uncertain significance. Last evaluated: 2022-03-25. Review status: criteria provided, single submitter. Criteria: Invitae Variant Classification Sherloc (09022015). Collection method: clinical testing. Allele origin: germline.
Comment: In summary, the available evidence is currently insufficient to determine the role of this variant in disease. Therefore, it has been classified as a Variant of Uncertain Significance. Algorithms developed to predict the effect of missense changes on protein structure and function are either unavailable or do not agree on the potential impact of this missense change (SIFT: "Deleterious"; PolyPhen-2: "Possibly Damaging"; Align-GVGD: "Class C0"). This variant has not been reported in the literature in individuals affected with PAX1-related conditions. This variant is not present in population databases (gnomAD no frequency). This sequence change replaces glycine, which is neutral and non-polar, with valine, which is neutral and non-polar, at codon 272 of the PAX1 protein (p.Gly272Val).

NM_001257096.2(PAX1):c.815G>T (p.Gly272Val)

Gene: PAX1 (paired box 1; plus strand). Cytogenetic location: 20p11.22.
Variant type: single nucleotide variant.
Coding change: c.815G>T on transcript NM_001257096.2 (MANE Select); coding-DNA position 815, G replaced by T.
Protein change: p.Gly272Val; replaces glycine 272 with valine.
Molecular consequence: missense variant.
Genome position (GRCh38, 1-based): chr20:21,706,966, G>T. VCF-style: chr20-21706966-G-T. GRCh37 (hg19) VCF-style: chr20-21687604-G-T.
Other names: c.815G>T, p.Gly272Val (NM_006192.5); short protein forms G272V.
Identifiers: ClinVar variation 1921664 (VCV001921664.5), dbSNP rs1985033600, ClinGen allele CA408498776.